The following is an entry in ClinVar:

NM_133510.4(RAD51B):c.854G>A (p.Gly285Asp)

Gene: RAD51B (RAD51 paralog B; plus strand). Cytogenetic location: 14q24.1.
Variant type: single nucleotide variant.
Coding change: c.854G>A on transcript NM_133510.4 (MANE Select); coding-DNA position 854, G replaced by A.
Protein change: p.Gly285Asp; replaces glycine 285 with aspartic acid.
Molecular consequence: missense variant.
Genome position (GRCh38, 1-based): chr14:68,411,424, G>A. VCF-style: chr14-68411424-G-A. GRCh37 (hg19) VCF-style: chr14-68878141-G-A.
Other names: c.854G>A, p.Gly285Asp (NM_001321809.2, NM_001321810.2, NM_001321812.1 and 6 more transcripts); c.740G>A, p.Gly247Asp (NM_001321815.1); c.497G>A, p.Gly166Asp (NM_001321817.2); short protein forms G285D, G166D, G247D.
Identifiers: ClinVar variation 3429678 (VCV003429678.1).

ClinVar aggregate classification (germline): Uncertain significance (1 of 4 stars; one submission).

Submission:

Ambry Genetics
Classification: Uncertain significance. Last evaluated: 2024-12-10. Review status: criteria provided, single submitter. Criteria: Ambry Variant Classification Scheme 2023. Collection method: clinical testing. Allele origin: germline.
Comment: The p.G285D variant (also known as c.854G>A) is located in coding exon 8 of the RAD51B gene. The glycine at codon 285 is replaced by aspartic acid, an amino acid with similar properties. This change occurs in the first base pair of coding exon 8. This amino acid position is conserved. In addition, this alteration is predicted to be tolerated by in silico analysis. Based on the available evidence, the clinical significance of this variant remains unclear.